The following is an entry in ClinVar:

NC_000019.9:g.(?_7527018)_(7624057_?)dup

Genes: ZNF358 (zinc finger protein 358; plus strand), PNPLA6 (patatin like domain 6, lysophospholipase; plus strand), ARHGEF18 (Rho/Rac guanine nucleotide exchange factor 18; plus strand), PEX11G (peroxisomal biogenesis factor 11 gamma; minus strand), SAXO5 (stabilizer of axonemal microtubules 5; plus strand) and 1 more. Cytogenetic location: 19p13.2.
Variant type: Duplication.
Identifiers: ClinVar variation 2423795 (VCV002423795.3).

ClinVar aggregate classification (germline): Uncertain significance. Review status: criteria provided, single submitter (1 of 4 stars). 2 submissions from 1 submitter: Uncertain significance (1). 1 of the submissions does not count toward it. Last evaluated 2022-07-22.

Conditions:
Hereditary spastic paraplegia 39 (SPG39). Also called: Spastic Paraplegia Type 39 (SPG39); SPASTIC PARAPLEGIA 39, AUTOSOMAL RECESSIVE. Identifiers: Orphanet 139480, MedGen C2677586, MONDO:0012787, OMIM 612020.

Submissions (2):

Labcorp Genetics (formerly Invitae), Labcorp
Classification: Uncertain significance for Hereditary spastic paraplegia 39. Last evaluated: 2022-07-22. Review status: criteria provided, single submitter. Criteria: Invitae Variant Classification Sherloc (09022015). Collection method: clinical testing. Allele origin: germline.
Comment: This variant results in a copy number gain of the genomic region encompassing exon(s) 1-31 of the PNPLA6 gene. This region includes the initiator codon of the gene. This copy number gain extends beyond the assayed region for this gene and therefore may encompass additional genes. As the precise location of this event is unknown, it may be in tandem or it may be located elsewhere in the genome. This variant has not been reported in the literature in individuals affected with PNPLA6-related conditions. Experimental studies and prediction algorithms are not available or were not evaluated, and the functional significance of this variant is currently unknown. In summary, the available evidence is currently insufficient to determine the role of this variant in disease. Therefore, it has been classified as a Variant of Uncertain Significance.

Labcorp Genetics (formerly Invitae), Labcorp
Classification: Uncertain significance. Last evaluated: 2022-07-22. Review status: flagged submission. Criteria: Invitae Variant Classification Sherloc (09022015). Collection method: clinical testing. Allele origin: germline. Not counted in ClinVar's aggregate classification.
Comment: This variant results in a copy number gain of the genomic region encompassing exon(s) 11-20 of the ARHGEF18 gene. This region includes the termination codon of the gene. This copy number gain extends beyond the assayed region for this gene and therefore may encompass additional genes. As the precise location of this event is unknown, it may be in tandem or it may be located elsewhere in the genome. This variant has not been reported in the literature in individuals affected with ARHGEF18-related conditions. Experimental studies and prediction algorithms are not available or were not evaluated, and the functional significance of this variant is currently unknown. In summary, the available evidence is currently insufficient to determine the role of this variant in disease. Therefore, it has been classified as a Variant of Uncertain Significance.
ClinVar note: Reason: This record appears to be redundant with a more recent record from the same submitter.
ClinVar note: Notes: SCV003792292 appears to be redundant with SCV003791538.